The following is an entry in ClinVar:

ClinVar aggregate classification (germline): Benign/Likely benign. Review status: criteria provided, multiple submitters, no conflicts (2 of 4 stars). 2 submissions from 2 submitters: Benign (1); Likely benign (1). Last evaluated 2024-05-23.

Conditions:
Familial cancer of breast. Also called: BREAST CANCER, FAMILIAL; hereditary breast carcinoma; Hereditary breast cancer. Identifiers: Orphanet 227535, MedGen C0346153, MONDO:0016419, OMIM 114480. Disease mechanism: loss of function.
Ataxia-telangiectasia syndrome (AT). Also called: LOUIS-BAR SYNDROME; Cerebello-oculocutaneous telangiectasia; Immunodeficiency with ataxia telangiectasia; AT, COMPLEMENTATION GROUP C; Ataxia-telangiectasia, complementation group D; ATAXIA-TELANGIECTASIA, COMPLEMENTATION GROUP A. Identifiers: Orphanet 100, MedGen C0004135, MONDO:0008840, OMIM 208900.

Submissions (2):

Myriad Genetics, Inc.
Classification: Benign for Familial cancer of breast. Last evaluated: 2024-05-23. Review status: criteria provided, single submitter. Criteria: Myriad Autosomal Dominant, Autosomal Recessive and X-Linked Classification Criteria (2023). Collection method: clinical testing. Allele origin: unknown.
Comment: This variant is considered benign. This variant is a silent/synonymous amino acid change and it is not expected to impact splicing.

Department of Pathology and Laboratory Medicine, Sinai Health System
Classification: Likely benign for Ataxia-telangiectasia syndrome. Last evaluated: 2022-06-07. Review status: criteria provided, single submitter. Criteria: ACMG Guidelines, 2015. Collection method: clinical testing. Allele origin: germline. Affected: yes.

NM_000051.4(ATM):c.5625A>C (p.Arg1875=)

Gene: ATM (ATM serine/threonine kinase; plus strand). Cytogenetic location: 11q22.3.
Variant type: single nucleotide variant.
Coding change: c.5625A>C on transcript NM_000051.4 (MANE Select); coding-DNA position 5625, A replaced by C.
Protein change: p.Arg1875=; no amino-acid change (arginine 1875 retained).
Molecular consequence: synonymous variant.
Genome position (GRCh38, 1-based): chr11:108,304,803, A>C. VCF-style: chr11-108304803-A-C. GRCh37 (hg19) VCF-style: chr11-108175530-A-C.
Other names: c.5625A>C, p.Arg1875= (NM_001351834.2); c.5625A>C (NM_000051.2).
Identifiers: ClinVar variation 3254342 (VCV003254342.2), dbSNP rs2135945373.